The following is an entry in ClinVar:

NM_014795.4(ZEB2):c.2102C>G (p.Ser701Ter)

Gene: ZEB2 (zinc finger E-box binding homeobox 2; minus strand). Cytogenetic location: 2q22.3.
Variant type: single nucleotide variant.
Coding change: c.2102C>G on transcript NM_014795.4 (MANE Select); coding-DNA position 2102, C replaced by G.
Protein change: p.Ser701Ter; replaces serine 701 with a stop codon.
Molecular consequence: nonsense.
Genome position (GRCh38, 1-based): chr2:144,399,085, G>C on the plus strand (C>G on the coding strand, the complement: ZEB2 is on the minus strand). VCF-style: chr2-144399085-G-C. GRCh37 (hg19) VCF-style: chr2-145156652-G-C.
Other names: c.2030C>G, p.Ser677Ter (NM_001171653.2); short protein forms S677*, S701*.
Identifiers: ClinVar variation 4294375 (VCV004294375.1).

ClinVar aggregate classification (germline): Pathogenic (1 of 4 stars; one submission).

Conditions:
Mowat-Wilson syndrome (MOWS). Also called: Classic Mowat-Wilson Syndrome. Identifiers: Orphanet 2152, MedGen C1856113, MONDO:0009341, OMIM 235730.

Submission:

Laboratoire Génétique Moléculaire, CHRU TOURS
Classification: Pathogenic for Mowat-Wilson syndrome. Last evaluated: 2024-04-15. Review status: criteria provided, single submitter. Criteria: ACMG Guidelines, 2015. Collection method: clinical testing. Allele origin: de novo. Affected: yes.
Comment: PVS1;PS2;PM2